The following is an entry in ClinVar:

ClinVar aggregate classification (germline): Benign/Likely benign. Review status: criteria provided, multiple submitters, no conflicts (2 of 4 stars). 2 submissions from 2 submitters: Benign (1); Likely benign (1). Last evaluated 2024-10-07.

Conditions:
Hereditary cancer-predisposing syndrome. Also called: Hereditary Cancer Syndrome; Tumor predisposition; Hereditary neoplastic syndrome; Neoplastic Syndromes, Hereditary. Identifiers: Orphanet 140162, MedGen C0027672, MeSH D009386, MONDO:0015356.
Familial cancer of breast. Also called: BREAST CANCER, FAMILIAL; Hereditary breast cancer; hereditary breast carcinoma. Identifiers: Orphanet 227535, MedGen C0346153, MONDO:0016419, OMIM 114480. Disease mechanism: loss of function.

Submissions (2):

Myriad Genetics, Inc.
Classification: Benign for Familial cancer of breast. Last evaluated: 2024-10-07. Review status: criteria provided, single submitter. Criteria: Myriad Autosomal Dominant, Autosomal Recessive and X-Linked Classification Criteria (2023). Collection method: clinical testing. Allele origin: unknown.
Comment: This variant is considered benign. This variant is a silent/synonymous amino acid change and it is not expected to impact splicing.

Ambry Genetics
Classification: Likely benign for Hereditary cancer-predisposing syndrome. Last evaluated: 2024-04-27. Review status: criteria provided, single submitter. Criteria: Ambry Variant Classification Scheme 2023. Collection method: clinical testing. Allele origin: germline.

NM_007194.4(CHEK2):c.1167C>T (p.Thr389=)

Gene: CHEK2 (checkpoint kinase 2; minus strand). Cytogenetic location: 22q12.1.
Variant type: single nucleotide variant.
Coding change: c.1167C>T on transcript NM_007194.4 (MANE Select); coding-DNA position 1167, C replaced by T.
Protein change: p.Thr389=; no amino-acid change (threonine 389 retained).
Molecular consequence: synonymous variant.
Genome position (GRCh38, 1-based): chr22:28,695,802, G>A on the plus strand (C>T on the coding strand, the complement: CHEK2 is on the minus strand). VCF-style: chr22-28695802-G-A. GRCh37 (hg19) VCF-style: chr22-29091790-G-A.
Other names: c.1296C>T, p.Thr432= (NM_001005735.3); c.504C>T, p.Thr168= (NM_001257387.3); c.966C>T, p.Thr322= (NM_001349956.3); c.1080C>T, p.Thr360= (NM_145862.3).
Identifiers: ClinVar variation 3266956 (VCV003266956.2).